The following is an entry in ClinVar:

ClinVar aggregate classification (germline): Uncertain significance. Review status: criteria provided, multiple submitters, no conflicts (2 of 4 stars). 2 submissions from 2 submitters: Uncertain significance (2). Last evaluated 2023-12-07.

Conditions:
Neurodevelopmental disorder with hypotonia, microcephaly, and seizures (NEDHYMS). Identifiers: MedGen C5394312, MONDO:0030025, OMIM 618862.
Inborn genetic diseases. Identifiers: MedGen C0950123, MeSH D030342.

Allele frequency attached by ClinVar (database versions not stated): ExAC 0.00001; gnomAD 0.00001; TOPMed 0.00002; 1000 Genomes Project 30x 0.00016; 1000 Genomes Project 0.00020.
gnomAD v4.1: 16 of 1,614,104 alleles (0.00099%); highest among the groups gnomAD compares: East Asian, 0.0022%; no homozygotes.

Submissions (2):

3billion
Classification: Uncertain significance for Neurodevelopmental disorder with hypotonia, microcephaly, and seizures. Last evaluated: 2023-12-07. Review status: criteria provided, single submitter. Criteria: ACMG Guidelines, 2015. Collection method: clinical testing. Allele origin: germline. Affected: yes.
Comment: The variant is observed at an extremely low frequency in the gnomAD v2.1.1 dataset (total allele frequency: <0.001%). Predicted Consequence/Location: Missense changes are a common disease-causing mechanism. Damaging effect on gene or gene product predicted by in silico programs is uncertain [REVEL: 0.59 (damaging >=0.6, benign <0.4), 3Cnet: 0.33 (damaging >=0.6, benign <0.15), Splice AI: 0.06 (spliceogenicity >=0.2, non-spliceogenicity <0.1)]. Therefore, this variant is classified as VUS according to the recommendation of ACMG/AMP guideline.

Ambry Genetics
Classification: Uncertain significance for Inborn genetic diseases. Last evaluated: 2022-08-08. Review status: criteria provided, single submitter. Criteria: Ambry Variant Classification Scheme 2023. Collection method: clinical testing. Allele origin: germline.

NM_001112.4(ADARB1):c.1657G>A (p.Gly553Arg)

Gene: ADARB1 (adenosine deaminase RNA specific B1; plus strand). Cytogenetic location: 21q22.3.
Variant type: single nucleotide variant.
Coding change: c.1657G>A on transcript NM_001112.4 (MANE Select); coding-DNA position 1657, G replaced by A.
Protein change: p.Gly553Arg; replaces glycine 553 with arginine.
Molecular consequence: missense variant. On other transcripts: non-coding transcript variant (5).
Genome position (GRCh38, 1-based): chr21:45,204,646, G>A. VCF-style: chr21-45204646-G-A. GRCh37 (hg19) VCF-style: chr21-46624561-G-A.
Other names: c.589G>A, p.Gly197Arg (NM_001145407.1); c.1657G>A, p.Gly553Arg (NM_001160230.2, NM_001346688.2); c.1924G>A, p.Gly642Arg (NM_001346687.2); c.1804G>A, p.Gly602Arg (NM_001410722.1); c.1777G>A, p.Gly593Arg (NM_015833.4, NM_015834.4); short protein forms G553R, G602R, G197R, G642R, G593R.
Identifiers: ClinVar variation 2305741 (VCV002305741.3), dbSNP rs183042891, ClinGen allele CA10064392.
Genomic context (GRCh38, chr21:45,204,646, plus strand): 5'-CTCAGCATTTTCGTGGAGCCCATTTACTTCTCGAGCATCATCCTGGGCAGCCTTTACCAC[G>A]GGGACCACCTTTCCAGGGCCATGTACCAGCGGATCTCCAACATAGAGGACCTGCCACCTC-3'
Protein context (NP_001103.1, residues 543-563): SSIILGSLYH[Gly553Arg]DHLSRAMYQR